The following is an entry in ClinVar:

NC_000009.12:g.105604215del

Gene: FKTN (fukutin; plus strand). Cytogenetic location: 9q31.2.
Variant type: Deletion.
Genome position: GRCh38 VCF-style: chr9-105604213-AG-A. GRCh37 (hg19) VCF-style: chr9-108366494-AG-A.
Identifiers: ClinVar variation 2186733 (VCV002186733.5), dbSNP rs2539402070, ClinGen allele CA2580079307.

ClinVar aggregate classification (germline): Pathogenic (1 of 4 stars; one submission).

Conditions:
Walker-Warburg congenital muscular dystrophy. Also called: Muscular dystrophy-dystroglycanopathy, type A; Walker-Warburg syndrome. Identifiers: Orphanet 899, MedGen C0265221, MONDO:0000171.

Submission:

Labcorp Genetics (formerly Invitae), Labcorp
Classification: Pathogenic for Walker-Warburg congenital muscular dystrophy. Last evaluated: 2022-09-20. Review status: criteria provided, single submitter. Criteria: Invitae Variant Classification Sherloc (09022015). Collection method: clinical testing. Allele origin: germline.
Comment: For these reasons, this variant has been classified as Pathogenic. Algorithms developed to predict the effect of sequence changes on RNA splicing suggest that this variant may disrupt the consensus splice site. This variant has not been reported in the literature in individuals affected with FKTN-related conditions. This variant is not present in population databases (gnomAD no frequency). This sequence change creates a premature translational stop signal (p.Glu124Lysfs*6) in the FKTN gene. It is expected to result in an absent or disrupted protein product. Loss-of-function variants in FKTN are known to be pathogenic (PMID: 17044012, 17878207, 18752264).

Literature cited by the submitters: PubMed 17044012; PubMed 17878207; PubMed 18752264.